The following is an entry in ClinVar:

ClinVar aggregate classification (germline): Uncertain significance. Review status: criteria provided, multiple submitters, no conflicts (2 of 4 stars). 2 submissions from 2 submitters: Uncertain significance (2). Last evaluated 2023-03-24.

Allele frequency attached by ClinVar (database versions not stated): 1000 Genomes Project 30x 0.00031; 1000 Genomes Project 0.00040; ESP Exome Variant Server 0.00077.
gnomAD v4.1: 115 of 1,610,768 alleles (0.0071%); highest among the groups gnomAD compares: African/African-American, 0.15%; no homozygotes.

Submissions (2):

GeneDx
Classification: Uncertain significance. Last evaluated: 2023-03-24. Review status: criteria provided, single submitter. Criteria: GeneDx Variant Classification Process June 2021. Collection method: clinical testing. Allele origin: germline. Affected: yes.
Comment: In silico analysis supports that this missense variant has a deleterious effect on protein structure/function; Has not been previously published as pathogenic or benign to our knowledge

Ambry Genetics
Classification: Uncertain significance. Last evaluated: 2022-09-22. Review status: criteria provided, single submitter. Criteria: Ambry Variant Classification Scheme 2023. Collection method: clinical testing. Allele origin: germline.

NM_001004320.2(AGMO):c.977C>T (p.Pro326Leu)

Gene: AGMO (alkylglycerol monooxygenase; minus strand). Cytogenetic location: 7p21.2.
Variant type: single nucleotide variant.
Coding change: c.977C>T on transcript NM_001004320.2 (MANE Select); coding-DNA position 977, C replaced by T.
Protein change: p.Pro326Leu; replaces proline 326 with leucine.
Molecular consequence: missense variant.
Genome position (GRCh38, 1-based): chr7:15,385,543, G>A on the plus strand (C>T on the coding strand, the complement: AGMO is on the minus strand). VCF-style: chr7-15385543-G-A. GRCh37 (hg19) VCF-style: chr7-15425168-G-A.
Other names: short protein forms P326L.
Identifiers: ClinVar variation 2215011 (VCV002215011.3), dbSNP rs140207104, ClinGen allele CA4168450.
Genomic context (GRCh38, chr7:15,385,543, plus strand): 5'-ATCAGAGCAAACTGTACAACTGTATATATCTTTAATAGCTGAGATGAAGATGATGAGAAG[G>A]GAACTTCTTTGCCGGTGACCTAGGGAGACAAGAACCATTTCCTTTATATTGCTCCAGACT-3'
Protein context (NP_001004320.1, residues 316-336): EIPEVTGKEV[Pro326Leu]FSSSSSQLLK